The following is an entry in ClinVar:

ClinVar aggregate classification (germline): Conflicting classifications of pathogenicity. Review status: criteria provided, conflicting classifications (1 of 4 stars). 6 submissions from 6 submitters: Uncertain significance (1); Likely benign (5). Last evaluated 2026-03-13.

Conditions:
SACS-related disorder. Also called: SACS-related condition.
Spastic paraplegia. Identifiers: MedGen C0037772, HP:0001258.
Charlevoix-Saguenay spastic ataxia (SACS). Also called: SPASTIC ATAXIA 6, AUTOSOMAL RECESSIVE; Spastic ataxia of Charlevoix-Saguenay; AUTOSOMAL RECESSIVE SPASTIC ATAXIA OF CHARLEVOIX-SAGUENAY. Identifiers: Orphanet 98, MedGen C1849140, MONDO:0010041, OMIM 270550.

Allele frequency attached by ClinVar (database versions not stated): TOPMed 0.00005; gnomAD 0.00006 and 0.00007; gnomAD exomes 0.00011; ExAC 0.00017; 1000 Genomes Project 0.00020; 1000 Genomes Project 30x 0.00031.
gnomAD v4.1: 98 of 1,613,900 alleles (0.0061%); highest among the groups gnomAD compares: Non-Finnish European, 0.0079%; no homozygotes.

Submissions (7):

Women's Health and Genetics/Laboratory Corporation of America, LabCorp
Classification: Likely benign. Last evaluated: 2026-03-13. Review status: criteria provided, single submitter. Criteria: LabCorp Variant Classification Summary - May 2015. Collection method: clinical testing. Allele origin: germline.

PreventionGenetics, part of Exact Sciences
Classification: Likely benign for SACS-related condition. Last evaluated: 2026-03-12. Review status: criteria provided, single submitter. Criteria: ACMG Guidelines, 2015. Collection method: clinical testing. Allele origin: germline.
Comment: This variant is classified as likely benign based on ACMG/AMP sequence variant interpretation guidelines (Richards et al. 2015 PMID: 25741868, with internal and published modifications).

Labcorp Genetics (formerly Invitae), Labcorp
Classification: Likely benign for Spastic paraplegia. Last evaluated: 2025-06-16. Review status: criteria provided, single submitter. Criteria: Invitae Variant Classification Sherloc (09022015). Collection method: clinical testing. Allele origin: germline.

Genome-Nilou Lab
Classification: Likely benign for Charlevoix-Saguenay spastic ataxia. Last evaluated: 2021-09-05. Review status: criteria provided, single submitter. Criteria: ACMG Guidelines, 2015. Collection method: clinical testing. Allele origin: germline. Affected: no.

Athena Diagnostics
Classification: Likely benign. Last evaluated: 2021-04-14. Review status: criteria provided, single submitter. Criteria: Athena Diagnostics criteria. Collection method: clinical testing. Allele origin: unknown.

Illumina Laboratory Services, Illumina
Classification: Uncertain significance for Charlevoix-Saguenay spastic ataxia. Last evaluated: 2018-01-12. Review status: criteria provided, single submitter. Criteria: ICSL Variant Classification Criteria 13 December 2019. Collection method: clinical testing. Allele origin: germline.

Dr. Peter K. Rogan Lab, Western University
No classification provided (evidence only). Condition: Malignant tumor of esophagus. Review status: no classification provided. Collection method: in vitro. Allele origin: not applicable. Functional consequence: retained intron. Not counted in ClinVar's aggregate classification.

NM_014363.6(SACS):c.9903G>T (p.Leu3301=)

Gene: SACS (sacsin molecular chaperone; minus strand). Cytogenetic location: 13q12.12.
Variant type: single nucleotide variant.
Coding change: c.9903G>T on transcript NM_014363.6 (MANE Select); coding-DNA position 9903, G replaced by T.
Protein change: p.Leu3301=; no amino-acid change (leucine 3301 retained).
Molecular consequence: synonymous variant.
Genome position (GRCh38, 1-based): chr13:23,333,973, C>A on the plus strand (G>T on the coding strand, the complement: SACS is on the minus strand). VCF-style: chr13-23333973-C-A. GRCh37 (hg19) VCF-style: chr13-23908112-C-A.
Other names: c.9462G>T, p.Leu3154= (NM_001278055.2).
Identifiers: ClinVar variation 882124 (VCV000882124.19), dbSNP rs563145604, ClinGen allele CA6910543.